The following is an entry in ClinVar:

NM_201384.3(PLEC):c.2950C>T (p.Arg984Cys)

Gene: PLEC (plectin; minus strand). Cytogenetic location: 8q24.3.
Variant type: single nucleotide variant.
Coding change: c.2950C>T on transcript NM_201384.3 (MANE Select); coding-DNA position 2950, C replaced by T.
Protein change: p.Arg984Cys; replaces arginine 984 with cysteine.
Molecular consequence: missense variant.
Genome position (GRCh38, 1-based): chr8:143,929,545, G>A on the plus strand (C>T on the coding strand, the complement: PLEC is on the minus strand). VCF-style: chr8-143929545-G-A. GRCh37 (hg19) VCF-style: chr8-145003713-G-A.
Other names: c.3031C>T, p.Arg1011Cys (NM_000445.5); c.2908C>T, p.Arg970Cys (NM_201378.4); c.2884C>T, p.Arg962Cys (NM_201379.3); c.3361C>T, p.Arg1121Cys (NM_201380.4); c.2854C>T, p.Arg952Cys (NM_201381.3); c.2950C>T, p.Arg984Cys (NM_201382.4); c.2962C>T, p.Arg988Cys (NM_201383.3); short protein forms R1011C, R1121C, R952C, R962C, R970C, R984C, R988C.
Identifiers: ClinVar variation 1017343 (VCV001017343.6), dbSNP rs201454700, ClinGen allele CA4927278.
Genomic context (GRCh38, chr8:143,929,545, plus strand): 5'-CGGTGCGCGTCTCACAGGCCTCCAGCTGCAGCCGGATGTCTTTGAGCTCGGAGATGCAGC[G>A]CTGGCAGCGAGACTCTTCCTGTGCACCTGGGGAACACATGTGGGTCACTCCACCGCCCAC-3'
Protein context (NP_958786.1, residues 974-994): QGAQEESRCQ[Arg984Cys]CISELKDIRL

ClinVar aggregate classification (germline): Uncertain significance. Review status: criteria provided, multiple submitters, no conflicts (2 of 4 stars). 2 submissions from 2 submitters: Uncertain significance (2). Last evaluated 2024-10-22.

Conditions:
Epidermolysis bullosa simplex 5B, with muscular dystrophy (EBS5B). Also called: EPIDERMOLYSIS BULLOSA SIMPLEX AND LIMB-GIRDLE MUSCULAR DYSTROPHY; Epidermolysis bullosa simplex with muscular dystrophy. Identifiers: Orphanet 257, MedGen C2931072, MONDO:0009181, OMIM 226670.
Junctional epidermolysis bullosa with pyloric atresia. Also called: CARMI SYNDROME; EB-PA-ACC; Junctional Epidermolysis Bullosa- Pyloric Atresia Syndrome; Epidermolysis bullosa, junctional, with pyloric atresia and aplasia cutis congenita; Epidermolysis bullosa junctionalis with pyloric atresia; APLASIA CUTIS CONGENITA WITH GASTROINTESTINAL ATRESIA. Identifiers: Orphanet 79403, MedGen C5676875, MONDO:0009183, OMIM 226730.
Epidermolysis bullosa simplex, Ogna type (EBS5A). Also called: EPIDERMOLYSIS BULLOSA SIMPLEX 5A, OGNA TYPE; Pidermolysis bullosa simplex 5A, Ogna type. Identifiers: Orphanet 79401, MedGen C0432317, MONDO:0007555, OMIM 131950.
Epidermolysis bullosa simplex 5C, with pyloric atresia (EBS5C). Also called: Epidermolysis bullosa simplex with pyloric atresia; PLEC-Related Epidermolysis Bullosa with Pyloric Atresia; PLEC1-Related Epidermolysis Bullosa with Pyloric Atresia. Identifiers: Orphanet 158684, MedGen C2677349, MONDO:0012807, OMIM 612138.
Autosomal recessive limb-girdle muscular dystrophy type 2Q (LGMDR17). Also called: MUSCULAR DYSTROPHY, LIMB-GIRDLE, AUTOSOMAL RECESSIVE 17. Identifiers: Orphanet 254361, MedGen C3150989, MONDO:0013390, OMIM 613723.
Epidermolysis bullosa simplex with nail dystrophy (EBS5D). Identifiers: MedGen C4225309, MONDO:0014661, OMIM 616487.

Allele frequency attached by ClinVar (database versions not stated): gnomAD exomes 0.00001 and 0.00002; TOPMed 0.00001; ExAC 0.00002.
gnomAD v4.1: 28 of 1,612,606 alleles (0.0017%); highest among the groups gnomAD compares: East Asian, 0.029%; 1 homozygote.

Submissions (2):

Labcorp Genetics (formerly Invitae), Labcorp
Classification: Uncertain significance for Autosomal recessive limb-girdle muscular dystrophy type 2Q; Epidermolysis bullosa simplex, Ogna type; Epidermolysis bullosa simplex with nail dystrophy; Epidermolysis bullosa simplex 5C, with pyloric atresia; Epidermolysis bullosa simplex 5B, with muscular dystrophy. Last evaluated: 2024-10-22. Review status: criteria provided, single submitter. Criteria: Invitae Variant Classification Sherloc (09022015). Collection method: clinical testing. Allele origin: germline.
Comment: This sequence change replaces arginine, which is basic and polar, with cysteine, which is neutral and slightly polar, at codon 1011 of the PLEC protein (p.Arg1011Cys). This variant is present in population databases (rs201454700, gnomAD 0.01%). This variant has not been reported in the literature in individuals affected with PLEC-related conditions. ClinVar contains an entry for this variant (Variation ID: 1017343). Invitae Evidence Modeling of protein sequence and biophysical properties (such as structural, functional, and spatial information, amino acid conservation, physicochemical variation, residue mobility, and thermodynamic stability) indicates that this missense variant is not expected to disrupt PLEC protein function with a negative predictive value of 80%. In summary, the available evidence is currently insufficient to determine the role of this variant in disease. Therefore, it has been classified as a Variant of Uncertain Significance.

Department of Pathology and Laboratory Medicine, Sinai Health System
Classification: Uncertain significance for Epidermolysis bullosa simplex, Ogna type; Epidermolysis bullosa simplex 5B, with muscular dystrophy; Junctional epidermolysis bullosa with pyloric atresia; Epidermolysis bullosa simplex 5C, with pyloric atresia; Autosomal recessive limb-girdle muscular dystrophy type 2Q; Epidermolysis bullosa simplex with nail dystrophy. Last evaluated: 2022-05-10. Review status: criteria provided, single submitter. Criteria: ACMG Guidelines, 2015. Collection method: research. Allele origin: germline.